The following is an entry in ClinVar:

NM_004415.4(DSP):c.6416A>G (p.Asn2139Ser)

Gene: DSP (desmoplakin; plus strand). Cytogenetic location: 6p24.3.
Variant type: single nucleotide variant.
Coding change: c.6416A>G on transcript NM_004415.4 (MANE Select); coding-DNA position 6416, A replaced by G.
Protein change: p.Asn2139Ser; replaces asparagine 2139 with serine.
Molecular consequence: missense variant.
Genome position (GRCh38, 1-based): chr6:7,583,678, A>G. VCF-style: chr6-7583678-A-G. GRCh37 (hg19) VCF-style: chr6-7583911-A-G.
Other names: c.6416A>G (LRG_423t1, NM_004415.3); c.4619A>G, p.Asn1540Ser (NM_001008844.3); c.5087A>G, p.Asn1696Ser (NM_001319034.2); short protein forms N1696S, N2139S, N1540S.
Identifiers: ClinVar variation 640058 (VCV000640058.16), dbSNP rs765687440, ClinGen allele CA047627.
Genomic context (GRCh38, chr6:7,583,678, plus strand): 5'-AAACCGGAATGCGCCTGCTGGAAGCCCAGATTGCTTCAGGGGGTGTAGTAGACCCTGTGA[A>G]CAGTGTCTTTTTGCCAAAAGATGTCGCCTTGGCCCGGGGGCTGATTGATAGAGATTTGTA-3'
Protein context (NP_004406.2, residues 2129-2149): IASGGVVDPV[Asn2139Ser]SVFLPKDVAL

ClinVar aggregate classification (germline): Conflicting classifications of pathogenicity. Review status: criteria provided, conflicting classifications (1 of 4 stars). 4 submissions from 4 submitters: Uncertain significance (2); Likely benign (2). Last evaluated 2025-08-02.

Conditions:
Cardiovascular phenotype. Identifiers: MedGen CN230736.
Cardiomyopathy (CMYO). Also called: Cardiomyopathies. Identifiers: Orphanet 167848, MedGen C0878544, MONDO:0004994, HP:0001638. Inheritance: Various modes of inheritance.
DSP-related disorder. Also called: DSP-related condition; DSP-related disorders.
Arrhythmogenic right ventricular dysplasia 8 (ARVD8). Also called: Arrhythmogenic Right Ventricular Dysplasia/Cardiomyopathy 8; ARRHYTHMOGENIC RIGHT VENTRICULAR CARDIOMYOPATHY 8; ARRHYTHMOGENIC RIGHT VENTRICULAR DYSPLASIA, FAMILIAL, 8. Identifiers: MedGen C1843896, MONDO:0011831, OMIM 607450.
Arrhythmogenic cardiomyopathy with wooly hair and keratoderma. Also called: Dilated cardiomyopathy with woolly hair and keratoderma; PALMOPLANTAR KERATODERMA WITH LEFT VENTRICULAR CARDIOMYOPATHY AND WOOLLY HAIR; Carvajal syndrome; Arrhythmogenic cardiomyopathy with woolly hair and keratoderma. Identifiers: Orphanet 65282, MedGen C1854063, MONDO:0011581, OMIM 605676.

Allele frequency attached by ClinVar (database versions not stated): gnomAD exomes 0.00003; ExAC 0.00004; TOPMed 0.00004.
gnomAD v4.1: 11 of 1,614,140 alleles (0.00068%); highest among the groups gnomAD compares: East Asian, 0.025%; no homozygotes.

Submissions (4):

PreventionGenetics, part of Exact Sciences
Classification: Uncertain significance for DSP-related condition. Last evaluated: 2025-08-02. Review status: criteria provided, single submitter. Criteria: ACMG Guidelines, 2015. Collection method: clinical testing. Allele origin: germline.
Comment: The DSP c.6416A>G variant is predicted to result in the amino acid substitution p.Asn2139Ser. This variant has been reported in both reference populations and affected individuals with dilated cardiomyopathy (Table S3, Mazzarotto et al. 2020. PubMed ID: 31983221; Table S9, McGurk et al. 2023. PubMed ID: 37652022). This variant is reported in 0.038% of alleles in individuals of East Asian descent in gnomAD. At this time, the clinical significance of this variant is uncertain due to the absence of conclusive functional and genetic evidence.

Labcorp Genetics (formerly Invitae), Labcorp
Classification: Likely benign for Arrhythmogenic cardiomyopathy with wooly hair and keratoderma; Arrhythmogenic right ventricular dysplasia 8. Last evaluated: 2025-02-04. Review status: criteria provided, single submitter. Criteria: Invitae Variant Classification Sherloc (09022015). Collection method: clinical testing. Allele origin: germline.

Color Diagnostics, LLC DBA Color Health
Classification: Uncertain significance for Cardiomyopathy. Last evaluated: 2024-04-23. Review status: criteria provided, single submitter. Criteria: ACMG Guidelines, 2015. Collection method: clinical testing. Allele origin: germline.
Comment: This missense variant replaces asparagine with serine at codon 2139 of the DSP protein. Computational prediction suggests that this variant may not impact protein structure and function (internally defined REVEL score threshold <= 0.5, PMID: 27666373). To our knowledge, functional studies have not been reported for this variant. This variant has been reported in an individual affected with dilated cardiomyopathy (PMID: 31983221). This variant has been identified in 7/251278 chromosomes in the general population by the Genome Aggregation Database (gnomAD). The available evidence is insufficient to determine the role of this variant in disease conclusively. Therefore, this variant is classified as a Variant of Uncertain Significance.

Ambry Genetics
Classification: Likely benign for Cardiovascular phenotype. Last evaluated: 2023-01-13. Review status: criteria provided, single submitter. Criteria: Ambry Variant Classification Scheme 2023. Collection method: clinical testing. Allele origin: germline.

Literature cited by the submitters: PubMed 31983221 (cited by Color Diagnostics, LLC DBA Color Health and Ambry Genetics).